The following is an entry in ClinVar:

NM_001035.3(RYR2):c.1354G>C (p.Val452Leu)

Gene: RYR2 (ryanodine receptor 2; plus strand). Cytogenetic location: 1q43.
Variant type: single nucleotide variant.
Coding change: c.1354G>C on transcript NM_001035.3 (MANE Select); coding-DNA position 1354, G replaced by C.
Protein change: p.Val452Leu; replaces valine 452 with leucine.
Molecular consequence: missense variant.
Genome position (GRCh38, 1-based): chr1:237,454,452, G>C. VCF-style: chr1-237454452-G-C. GRCh37 (hg19) VCF-style: chr1-237617752-G-C.
Other names: short protein forms V452L.
Identifiers: ClinVar variation 3070597 (VCV003070597.1), dbSNP rs375218751, ClinGen allele CA345380190.
Genomic context (GRCh38, chr1:237,454,452, plus strand): 5'-GGCCTTGATGCTCTCAGCAAGAAAGCGAAGGCTTCCACAGTCGATTTGCCTATAGAGTCC[G>C]TAAGCCTAAGTCTGCAGGATCTCATTGGCTACTTCCACCCCCCAGATGAGCATTTAGAGC-3'
Protein context (NP_001026.2, residues 442-462): ASTVDLPIES[Val452Leu]SLSLQDLIGY

ClinVar aggregate classification (germline): Uncertain significance (1 of 4 stars; one submission).

Conditions:
Catecholaminergic polymorphic ventricular tachycardia (CVPT). Also called: Catecholamine-induced polymorphic ventricular tachycardia. Identifiers: Orphanet 3286, MedGen C5574922, MONDO:0017990.

Submission:

All of Us Research Program, National Institutes of Health
Classification: Uncertain significance for Catecholaminergic polymorphic ventricular tachycardia. Last evaluated: 2023-04-27. Review status: criteria provided, single submitter. Criteria: ACMG Guidelines, 2015. Collection method: clinical testing. Allele origin: germline. Inheritance: Autosomal dominant inheritance. Observed: 1 variant allele, 1 heterozygote.
Comment: This study involves interpretation of variants in research participants for the purpose of population health screening. Participant phenotype was not available at the time of variant classification. Additional details can be found in publication PMID: 35346344, PMCID: PMC8962531